The following is an entry in ClinVar:

ClinVar aggregate classification (germline): Pathogenic. Review status: reviewed by expert panel (3 of 4 stars). 15 submissions from 15 submitters: Pathogenic (1). 14 of the submissions do not count toward it. Last evaluated 2016-09-08.

Conditions:
Hereditary cancer-predisposing syndrome. Also called: Tumor predisposition; Neoplastic Syndromes, Hereditary; Hereditary Cancer Syndrome; Hereditary neoplastic syndrome. Identifiers: Orphanet 140162, MedGen C0027672, MeSH D009386, MONDO:0015356.
Hereditary breast ovarian cancer syndrome. Also called: Hereditary breast and ovarian cancer syndrome (HBOC); Hereditary breast and ovarian cancer syndrome; Hereditary breast and ovarian cancer; Hereditary breast and/or ovarian cancer syndrome; Breast and ovarian cancer; BRCA1- and BRCA2-Associated Hereditary Breast and Ovarian Cancer. Identifiers: Orphanet 145, MedGen C0677776, MeSH D061325, MONDO:0003582. Disease mechanism: loss of function.
Breast-ovarian cancer, familial, susceptibility to, 1 (BROVCA1). Also called: OVARIAN CANCER, SUSCEPTIBILITY TO; BRCA1 Hereditary Breast and Ovarian Cancer. Identifiers: Orphanet 145, MedGen C2676676, MONDO:0011450, OMIM 604370. Disease mechanism: loss of function.

Allele frequency attached by ClinVar (database versions not stated): gnomAD exomes below 0.00001.

Submissions (15):

Evidence-based Network for the Interpretation of Germline Mutant Alleles (ENIGMA)
Classification: Pathogenic for Breast-ovarian cancer, familial, susceptibility to, 1. Last evaluated: 2016-09-08. Review status: reviewed by expert panel. Criteria: ENIGMA BRCA1/2 Classification Criteria (2015). Collection method: curation. Allele origin: germline.
Comment: Variant allele predicted to encode a truncated non-functional protein.

Labcorp Genetics (formerly Invitae), Labcorp
Classification: Pathogenic for Hereditary breast ovarian cancer syndrome. Last evaluated: 2025-06-03. Review status: criteria provided, single submitter. Criteria: Invitae Variant Classification Sherloc (09022015). Collection method: clinical testing. Allele origin: germline. Not counted in ClinVar's aggregate classification.
Comment: This sequence change creates a premature translational stop signal (p.Val923Leufs*77) in the BRCA1 gene. It is expected to result in an absent or disrupted protein product. Loss-of-function variants in BRCA1 are known to be pathogenic (PMID: 20104584). This variant is not present in population databases (gnomAD no frequency). This premature translational stop signal has been observed in individual(s) with breast cancer (PMID: 10951344, 22333603, 26221963). ClinVar contains an entry for this variant (Variation ID: 54677). For these reasons, this variant has been classified as Pathogenic.

Ambry Genetics
Classification: Pathogenic for Hereditary cancer-predisposing syndrome. Last evaluated: 2024-11-21. Review status: criteria provided, single submitter. Criteria: Ambry Variant Classification Scheme 2023. Collection method: clinical testing. Allele origin: germline. Not counted in ClinVar's aggregate classification.
Comment: The c.2766delA pathogenic mutation, located in coding exon 9 of the BRCA1 gene, results from a deletion of one nucleotide at nucleotide position 2766, causing a translational frameshift with a predicted alternate stop codon (p.V923Lfs*77). This mutation has been detected in several patients, particularly of South Asian ancestry, with early-onset and/or triple-negative breast cancer (Ho GH et al. Cancer. 2000 Aug;89:811-6; Liede A et al. Am. J. Hum. Genet. 2002 Sep;71:595-606; Robertson L et al. Br J Cancer. 2012 Mar 13;106(6):1234-8; Donenberg T et al. Breast Cancer Res Treat. 2016 Aug;159(1):131-8). Of note, this mutation is also designated as 2885delA in published literature. This variant is considered to be rare based on population cohorts in the Genome Aggregation Database (gnomAD). In addition to the clinical data presented in the literature, this alteration is expected to result in loss of function by premature protein truncation or nonsense-mediated mRNA decay. As such, this alteration is interpreted as a disease-causing mutation.

Molecular Pathology, Peter Maccallum Cancer Centre
Classification: Pathogenic for Breast-ovarian cancer, familial, susceptibility to, 1. Last evaluated: 2024-01-22. Review status: criteria provided, single submitter. Criteria: ACMG Guidelines, 2015. Collection method: clinical testing. Allele origin: germline. Inheritance: Autosomal dominant inheritance. Not counted in ClinVar's aggregate classification.

GeneDx
Classification: Pathogenic. Last evaluated: 2022-11-08. Review status: criteria provided, single submitter. Criteria: GeneDx Variant Classification Process June 2021. Collection method: clinical testing. Allele origin: germline. Affected: yes. Not counted in ClinVar's aggregate classification.
Comment: Frameshift variant predicted to result in protein truncation or nonsense mediated decay in a gene for which loss of function is a known mechanism of disease; Truncating variants in this gene are considered pathogenic by a well-established clinical consortium and/or database; Not observed at significant frequency in large population cohorts (gnomAD); Also known as 2885delA; This variant is associated with the following publications: (PMID: 10951344, 26221963, 24578176, 27469594, 22333603, 21702907, 12181777, 12188064, 26315209, 20104584, 34657373, 33646313, 12442265, 29470806, 29446198, 31853058)

Sema4
Classification: Pathogenic for Hereditary cancer-predisposing syndrome. Last evaluated: 2021-12-23. Review status: criteria provided, single submitter. Criteria: Sema4 Curation Guidelines. Collection method: curation. Allele origin: germline. Not counted in ClinVar's aggregate classification.
Comment: The BRCA1 c.2766delA (p.V923LfsX77) variant has been reported in heterozygosity in multiple individuals with triple-negative breast and/or ovarian cancer (PMID: 10951344, 29470806, 22333603, 26221963, 29446198, among others). It is also known as 2885delA in the literature. This variant causes a frameshift at amino acid 923 that results in premature termination 77 amino acids downstream. This variant is predicted to cause loss of normal protein function either through protein truncation or nonsense-mediated mRNA decay. Loss of function variants in BRCA1 are known to be pathogenic (PMID: 29446198). This variant is not reported in the population database Genome Aggregation Database (PMID: 32461654), but has been reported in ClinVar (Variation ID: 54677). Based on the current evidence available, this variant is interpreted as pathogenic.

Baylor Genetics
Classification: Pathogenic for Breast-ovarian cancer, familial, susceptibility to, 1. Last evaluated: 2021-07-29. Review status: criteria provided, single submitter. Criteria: ACMG Guidelines, 2015. Collection method: clinical testing. Allele origin: unknown. Not counted in ClinVar's aggregate classification.

Color Diagnostics, LLC DBA Color Health
Classification: Pathogenic for Hereditary cancer-predisposing syndrome. Last evaluated: 2020-01-15. Review status: criteria provided, single submitter. Criteria: ACMG Guidelines, 2015. Collection method: clinical testing. Allele origin: germline. Not counted in ClinVar's aggregate classification.
Comment: This variant deletes 1 nucleotide in exon 10 of the BRCA1 gene, creating a frameshift and premature translation stop signal. This variant is expected to result in an absent or non-functional protein product. This variant has not been identified in the general population by the Genome Aggregation Database (gnomAD). Loss of BRCA1 function is a known mechanism of disease. Based on the available evidence, this variant is classified as Pathogenic.

Consortium of Investigators of Modifiers of BRCA1/2 (CIMBA), c/o University of Cambridge
Classification: Pathogenic for Breast-ovarian cancer, familial, susceptibility to, 1. Last evaluated: 2015-10-02. Review status: criteria provided, single submitter. Criteria: CIMBA Mutation Classification guidelines May 2016. Collection method: clinical testing. Allele origin: germline. Not counted in ClinVar's aggregate classification.

Clinical Genetics DNA and cytogenetics Diagnostics Lab, Erasmus MC, Erasmus Medical Center
Classification: Pathogenic for Breast-ovarian cancer, familial, susceptibility to, 1. Last evaluated: 2015-09-21. Review status: criteria provided, single submitter. Criteria: ACGS Guidelines, 2013. Collection method: clinical testing. Allele origin: germline. Affected: yes. Study: VKGL Data-share Consensus. Not counted in ClinVar's aggregate classification.

Molecular Genetics Laboratory, University of Michigan
Classification: Pathogenic for Breast-ovarian cancer, familial, susceptibility to, 1. Last evaluated: 2014-11-03. Review status: criteria provided, single submitter. Criteria: ACMG Guidelines, 2015. Collection method: clinical testing. Allele origin: germline. Affected: yes. Not counted in ClinVar's aggregate classification.

Sharing Clinical Reports Project (SCRP)
Classification: Pathogenic for Breast-ovarian cancer, familial 1. Last evaluated: 2012-05-01. Review status: no assertion criteria provided. Collection method: clinical testing. Allele origin: germline. Not counted in ClinVar's aggregate classification.

Breast Cancer Information Core (BIC) (BRCA1)
Classification: Pathogenic for Breast-ovarian cancer, familial 1. Last evaluated: 1999-06-22. Review status: no assertion criteria provided. Collection method: clinical testing. Allele origin: germline. Affected: yes. Observed: 1 variant allele. Not counted in ClinVar's aggregate classification.

Department of Pathology and Laboratory Medicine, Sinai Health System
Classification: Pathogenic for Breast-ovarian cancer, familial, susceptibility to, 1. Review status: no assertion criteria provided. Collection method: clinical testing. Allele origin: unknown. Affected: yes. Study: The Canadian Open Genetics Repository (COGR). Not counted in ClinVar's aggregate classification.
Comment: The BRCA1 p.Val923LeufsX77 variant was identified in 1 of 86 proband chromosomes (frequency: 0.012) from Singaporean individuals or families with early onset breast cancer and was not identified in 100 control chromosomes from healthy individuals (Ho 2000). The variant was also identified in dbSNP (ID: rs80357812) â€šÃ„ÃºWith Pathogenic alleleâ€šÃ„Ã¹, HGMD, the BIC database (1X with pathogenic clinical importance), and UMD (1X as a causal variant). The variant was identified in the ClinVar database with multiple submissions: Sharing Clinical Reports Project (SCRP) (derived from Myriad reports) as pathogenic, BIC as pathogenic, and INVITAE with classification not provided. The p.Val923LeufsX77 deletion variant is predicted to cause a frameshift, which alters the protein's amino acid sequence beginning at codon 923 and leads to a premature stop codon 77 codons downstream. This alteration is then predicted to result in a truncated or absent protein and loss of function. Loss of function variants of the BRCA1 gene are an established mechanism of disease in hereditary breast and ovarian cancer and is the type of variant expected to cause the disorder. In summary, based on the above information, this variant meets our laboratoryâ€šÃ„Ã´s criteria to be classified as pathogenic.

Diagnostic Laboratory, Department of Genetics, University Medical Center Groningen
Classification: Pathogenic for Breast-ovarian cancer, familial, susceptibility to, 1. Review status: no assertion criteria provided. Collection method: clinical testing. Allele origin: germline. Affected: yes. Study: VKGL Data-share Consensus. Not counted in ClinVar's aggregate classification.

Literature cited by the submitters: PubMed 20104584 (cited by Labcorp Genetics (formerly Invitae), Labcorp); PubMed 10951344 (cited by 3 submitters); PubMed 22333603 (cited by Labcorp Genetics (formerly Invitae), Labcorp and Sema4); PubMed 26221963 (cited by Labcorp Genetics (formerly Invitae), Labcorp and Sema4); PubMed 12181777 (cited by Ambry Genetics); PubMed 12442265 (cited by Ambry Genetics); PubMed 25863477 (cited by Ambry Genetics); PubMed 29470806 (cited by Sema4); PubMed 29446198 (cited by Sema4).

NM_007294.4(BRCA1):c.2766del (p.Val923fs)

Gene: BRCA1 (BRCA1 DNA repair associated; minus strand). Cytogenetic location: 17q21.31.
Variant type: Deletion.
Coding change: c.2766del on transcript NM_007294.4 (MANE Select); coding-DNA position 2766, one base deleted (A; older notation c.2766delA).
Protein change: p.Val923fs; shifts the reading frame from valine 923.
Molecular consequence: frameshift variant. On other transcripts: intron variant (137).
Genome position (GRCh38, 1-based): chr17:43,092,765, T deleted on the plus strand (A on the coding strand, the reverse complement: BRCA1 is on the minus strand). VCF-style (leftmost placement, unchanged base first): chr17-43092764-CT-C. GRCh37 (hg19) VCF-style: chr17-41244781-CT-C.
Other names: 2885delA; c.2763del, p.Val922fs (NM_001407630.1, NM_001407631.1, NM_001407632.1 and 22 more transcripts); c.2766del, p.Val923fs (NM_001407639.1, NM_001407640.1, NM_001407641.1 and 30 more transcripts); c.2757del, p.Val920fs (NM_001407646.1, NM_001407647.1); c.2643del, p.Val882fs (NM_001407648.1, NM_001407664.1, NM_001407665.1 and 19 more transcripts); c.2640del, p.Val881fs (NM_001407649.1, NM_001407670.1, NM_001407671.1 and 11 more transcripts); c.2688del, p.Val897fs (NM_001407653.1, NM_001407654.1, NM_001407655.1 and 4 more transcripts); c.2685del, p.Val896fs (NM_001407659.1, NM_001407660.1, NM_001407661.1 and 1 more transcripts); and 42 more; short protein forms V876fs, V923fs, V755fs, V795fs, V834fs, V835fs, V875fs, V882fs.
Identifiers: ClinVar variation 54677 (VCV000054677.28), dbSNP rs80357812, ClinGen allele CA001823.